The following is an entry in ClinVar:

NM_001655.5(ARCN1):c.973G>A (p.Val325Met)

Gene: ARCN1 (archain 1 coat protein complex I subunit delta; plus strand). Cytogenetic location: 11q23.3.
Variant type: single nucleotide variant.
Coding change: c.973G>A on transcript NM_001655.5 (MANE Select); coding-DNA position 973, G replaced by A.
Protein change: p.Val325Met; replaces valine 325 with methionine.
Molecular consequence: missense variant. On other transcripts: non-coding transcript variant (2).
Genome position (GRCh38, 1-based): chr11:118,590,495, G>A. VCF-style: chr11-118590495-G-A. GRCh37 (hg19) VCF-style: chr11-118461210-G-A.
Other names: c.973G>A, p.Val325Met (NM_001425078.1, NM_001425073.1); c.970G>A, p.Val324Met (NM_001425079.1, NM_001425074.1); c.529G>A, p.Val177Met (NM_001425080.1); c.709G>A, p.Val237Met (NM_001425081.1, NM_001142281.2); c.916G>A, p.Val306Met (NM_001425075.1); c.904G>A, p.Val302Met (NM_001425076.1); c.808G>A, p.Val270Met (NM_001425077.1); short protein forms V270M, V324M, V237M, V177M, V302M, V306M, V325M.
Identifiers: ClinVar variation 3676842 (VCV003676842.2).

ClinVar aggregate classification (germline): Uncertain significance (1 of 4 stars; one submission).

gnomAD v4.1: 1 of 1,614,156 alleles (0.000062%); highest among the groups gnomAD compares: Admixed American, 0.0017%; no homozygotes.

Submission:

Labcorp Genetics (formerly Invitae), Labcorp
Classification: Uncertain significance. Last evaluated: 2024-06-13. Review status: criteria provided, single submitter. Criteria: Invitae Variant Classification Sherloc (09022015). Collection method: clinical testing. Allele origin: germline.
Comment: This sequence change replaces valine, which is neutral and non-polar, with methionine, which is neutral and non-polar, at codon 325 of the ARCN1 protein (p.Val325Met). This variant is present in population databases (no rsID available, gnomAD 0.0009%). This variant has not been reported in the literature in individuals affected with ARCN1-related conditions. An algorithm developed to predict the effect of missense changes on protein structure and function (PolyPhen-2) suggests that this variant is likely to be tolerated. In summary, the available evidence is currently insufficient to determine the role of this variant in disease. Therefore, it has been classified as a Variant of Uncertain Significance.